The following is an entry in ClinVar:

ClinVar aggregate classification (germline): Uncertain significance. Review status: criteria provided, multiple submitters, no conflicts (2 of 4 stars). 2 submissions from 2 submitters: Uncertain significance (2). Last evaluated 2021-08-26.

Conditions:
Primary ciliary dyskinesia 28. Also called: CILIARY DYSKINESIA, PRIMARY, 28, WITH OR WITHOUT SITUS INVERSUS. Identifiers: Orphanet 244, MedGen C3809706, MONDO:0014216, OMIM 615505.

Allele frequency attached by ClinVar (database versions not stated): gnomAD 0.00001; ExAC 0.00003; gnomAD exomes 0.00003 and 0.00006; TOPMed 0.00004.
gnomAD v4.1: 90 of 1,613,872 alleles (0.0056%); highest among the groups gnomAD compares: Non-Finnish European, 0.0072%; no homozygotes.

Submissions (2):

Labcorp Genetics (formerly Invitae), Labcorp
Classification: Uncertain significance for Primary ciliary dyskinesia 28. Last evaluated: 2021-08-26. Review status: criteria provided, single submitter. Criteria: Invitae Variant Classification Sherloc (09022015). Collection method: clinical testing. Allele origin: germline.
Comment: This sequence change replaces glycine with glutamic acid at codon 689 of the SPAG1 protein (p.Gly689Glu). The glycine residue is weakly conserved and there is a moderate physicochemical difference between glycine and glutamic acid. This variant is present in population databases (rs745853774, ExAC 0.006%). This variant has not been reported in the literature in individuals affected with SPAG1-related conditions. Algorithms developed to predict the effect of missense changes on protein structure and function output the following: SIFT: "Tolerated"; PolyPhen-2: "Benign"; Align-GVGD: "Class C0". The glutamic acid amino acid residue is found in multiple mammalian species, which suggests that this missense change does not adversely affect protein function. In summary, the available evidence is currently insufficient to determine the role of this variant in disease. Therefore, it has been classified as a Variant of Uncertain Significance.

Revvity Omics, Revvity
Classification: Uncertain significance for Primary ciliary dyskinesia 28. Last evaluated: 2019-08-01. Review status: criteria provided, single submitter. Criteria: ACMG Guidelines, 2015. Collection method: clinical testing. Allele origin: germline.

NM_003114.5(SPAG1):c.2066G>A (p.Gly689Glu)

Gene: SPAG1 (sperm associated antigen 1; plus strand). Cytogenetic location: 8q22.2.
Variant type: single nucleotide variant.
Coding change: c.2066G>A on transcript NM_003114.5 (MANE Select); coding-DNA position 2066, G replaced by A.
Protein change: p.Gly689Glu; replaces glycine 689 with glutamic acid.
Molecular consequence: missense variant.
Genome position (GRCh38, 1-based): chr8:100,233,488, G>A. VCF-style: chr8-100233488-G-A. GRCh37 (hg19) VCF-style: chr8-101245716-G-A.
Other names: c.2066G>A (NM_172218.2); c.2066G>A, p.Gly689Glu (NM_001374321.1, NM_172218.3); short protein forms G689E.
Identifiers: ClinVar variation 1444337 (VCV001444337.7), dbSNP rs745853774, ClinGen allele CA4827665.